The following is an entry in ClinVar:

ClinVar aggregate classification (germline): Uncertain significance (1 of 4 stars; one submission).

Conditions:
Early-infantile DEE. Also called: Early infantile epileptic encephalopathy; Early infantile epileptic encephalopathy with suppression bursts; Ohtahara syndrome. Identifiers: Orphanet 1934, MedGen C0393706, MONDO:0800491.

Allele frequency attached by ClinVar (database versions not stated): gnomAD exomes below 0.00001.
gnomAD v4.1: 2 of 1,613,338 alleles (0.00012%); highest among the groups gnomAD compares: South Asian, 0.0011%; no homozygotes.

Submission:

Labcorp Genetics (formerly Invitae), Labcorp
Classification: Uncertain significance for Early-infantile DEE. Last evaluated: 2016-08-03. Review status: criteria provided, single submitter. Criteria: Invitae Variant Classification Sherloc (09022015). Collection method: clinical testing. Allele origin: germline.
Comment: This sequence change replaces lysine with glutamic acid at codon 622 of the ARHGEF15 protein (p.Lys622Glu). The lysine residue is highly conserved and there is a small physicochemical difference between lysine and glutamic acid. This variant is not present in population databases (ExAC no frequency) and has not been reported in the literature in individuals with a ARHGEF15-related disease. Algorithms developed to predict the effect of missense changes on protein structure and function do not agree on the potential impact of this missense change (SIFT: "Deleterious"; PolyPhen-2: "Possibly Damaging"; Align-GVGD: "Class C0"). In summary, this variant is a novel missense change with uncertain impact on protein function. It has been classified as a Variant of Uncertain Significance.

NM_173728.4(ARHGEF15):c.1864A>G (p.Lys622Glu)

Gene: ARHGEF15 (Rho guanine nucleotide exchange factor 15; plus strand). Cytogenetic location: 17p13.1.
Variant type: single nucleotide variant.
Coding change: c.1864A>G on transcript NM_173728.4 (MANE Select); coding-DNA position 1864, A replaced by G.
Protein change: p.Lys622Glu; replaces lysine 622 with glutamic acid.
Molecular consequence: missense variant.
Genome position (GRCh38, 1-based): chr17:8,318,654, A>G. VCF-style: chr17-8318654-A-G. GRCh37 (hg19) VCF-style: chr17-8221972-A-G.
Other names: c.1864A>G, p.Lys622Glu (NM_025014.2); short protein forms K622E.
Identifiers: ClinVar variation 403972 (VCV000403972.10), dbSNP rs1060500051, ClinGen allele CA16615769.